The following is an entry in ClinVar:

NM_213599.3(ANO5):c.169C>G (p.Arg57Gly)

Gene: ANO5 (anoctamin 5; plus strand). Cytogenetic location: 11p14.3.
Variant type: single nucleotide variant.
Coding change: c.169C>G on transcript NM_213599.3 (MANE Select); coding-DNA position 169, C replaced by G.
Protein change: p.Arg57Gly; replaces arginine 57 with glycine.
Molecular consequence: missense variant.
Genome position (GRCh38, 1-based): chr11:22,218,276, C>G. VCF-style: chr11-22218276-C-G. GRCh37 (hg19) VCF-style: chr11-22239822-C-G.
Other names: c.166C>G, p.Arg56Gly (NM_001142649.2); short protein forms R57G, R56G.
Identifiers: ClinVar variation 1495256 (VCV001495256.6), dbSNP rs1323349209, ClinGen allele CA379924808.

ClinVar aggregate classification (germline): Uncertain significance (1 of 4 stars; one submission).

Conditions:
Gnathodiaphyseal dysplasia (GDD). Also called: GNATHODIAPHYSEAL SCLEROSIS; OSTEOGENESIS IMPERFECTA WITH UNUSUAL SKELETAL LESIONS. Identifiers: Orphanet 53697, MedGen C1833736, MONDO:0008151, OMIM 166260.
Autosomal recessive limb-girdle muscular dystrophy type 2L (LGMDR12). Also called: Limb-girdle muscular dystrophy, type 2L; MUSCULAR DYSTROPHY, LIMB-GIRDLE, AUTOSOMAL RECESSIVE 12; Limb-Girdle Muscular Dystrophy R12 Anoctamin-5-Related (LGMD-R12). Identifiers: Orphanet 206549, MedGen C1969785, MONDO:0012652, OMIM 611307.

Submission:

Labcorp Genetics (formerly Invitae), Labcorp
Classification: Uncertain significance for Autosomal recessive limb-girdle muscular dystrophy type 2L; Gnathodiaphyseal dysplasia. Last evaluated: 2024-11-11. Review status: criteria provided, single submitter. Criteria: Invitae Variant Classification Sherloc (09022015). Collection method: clinical testing. Allele origin: germline.
Comment: This sequence change replaces arginine, which is basic and polar, with glycine, which is neutral and non-polar, at codon 57 of the ANO5 protein (p.Arg57Gly). This variant is not present in population databases (gnomAD no frequency). This variant has not been reported in the literature in individuals affected with ANO5-related conditions. ClinVar contains an entry for this variant (Variation ID: 1495256). Invitae Evidence Modeling of protein sequence and biophysical properties (such as structural, functional, and spatial information, amino acid conservation, physicochemical variation, residue mobility, and thermodynamic stability) indicates that this missense variant is not expected to disrupt ANO5 protein function with a negative predictive value of 80%. This variant disrupts the p.Arg57 amino acid residue in ANO5. Other variant(s) that disrupt this residue have been determined to be pathogenic (PMID: 23530687, 25864073). This suggests that this residue is clinically significant, and that variants that disrupt this residue are likely to be disease-causing. In summary, the available evidence is currently insufficient to determine the role of this variant in disease. Therefore, it has been classified as a Variant of Uncertain Significance.

Literature cited by the submitters: PubMed 23530687; PubMed 25864073.